The following is an entry in ClinVar:

ClinVar aggregate classification (germline): Uncertain significance. Review status: criteria provided, multiple submitters, no conflicts (2 of 4 stars). 2 submissions from 2 submitters: Uncertain significance (2). Last evaluated 2020-06-02.

Conditions:
Short-rib thoracic dysplasia 10 with or without polydactyly (SRTD10). Identifiers: Orphanet 474, MedGen C3810175, MONDO:0014284, OMIM 615630.
Retinitis pigmentosa 71 (RP71). Identifiers: Orphanet 791, MedGen C4225342, MONDO:0014618, OMIM 616394.

Submissions (2):

Labcorp Genetics (formerly Invitae), Labcorp
Classification: Uncertain significance for Retinitis pigmentosa 71; Short-rib thoracic dysplasia 10 with or without polydactyly. Last evaluated: 2020-06-02. Review status: criteria provided, single submitter. Criteria: Invitae Variant Classification Sherloc (09022015). Collection method: clinical testing. Allele origin: germline.
Comment: This sequence change replaces glycine with aspartic acid at codon 304 of the IFT172 protein (p.Gly304Asp). The glycine residue is highly conserved and there is a moderate physicochemical difference between glycine and aspartic acid. This variant is not present in population databases (ExAC no frequency). This variant has not been reported in the literature in individuals with IFT172-related conditions. ClinVar contains an entry for this variant (Variation ID: 432988). Algorithms developed to predict the effect of missense changes on protein structure and function are either unavailable or do not agree on the potential impact of this missense change (SIFT: "Deleterious"; PolyPhen-2: "Probably Damaging"; Align-GVGD: "Class C0"). In summary, the available evidence is currently insufficient to determine the role of this variant in disease. Therefore, it has been classified as a Variant of Uncertain Significance.

GeneDx
Classification: Uncertain significance. Last evaluated: 2018-11-01. Review status: criteria provided, single submitter. Criteria: GeneDx Variant Classification (06012015). Collection method: clinical testing. Allele origin: germline. Affected: yes.
Comment: A variant of uncertain significance has been identified in the IFT172 gene. The G304D variant has not been published as a pathogenic variant, nor has it been reported as a benign variant to our knowledge. The G304D variant is not observed in large population cohorts (Lek et al., 2016; 1000 Genomes Consortium et al., 2015; Exome Variant Server). The G304D variant is a non-conservative amino acid substitution, which is likely to impact secondary protein structure as these residues differ in polarity, charge, size and/or other properties. This substitution occurs at a position that is conserved across species and in silico analysis predicts this variant is probably damaging to the protein structure/function. Based on the currently available information, it is unclear whether this variant is a pathogenic variant or a rare benign variant.

NM_015662.3(IFT172):c.911G>A (p.Gly304Asp)

Gene: IFT172 (intraflagellar transport 172; minus strand). Cytogenetic location: 2p23.3.
Variant type: single nucleotide variant.
Coding change: c.911G>A on transcript NM_015662.3 (MANE Select); coding-DNA position 911, G replaced by A.
Protein change: p.Gly304Asp; replaces glycine 304 with aspartic acid.
Molecular consequence: missense variant.
Genome position (GRCh38, 1-based): chr2:27,479,603, C>T on the plus strand (G>A on the coding strand, the complement: IFT172 is on the minus strand). VCF-style: chr2-27479603-C-T. GRCh37 (hg19) VCF-style: chr2-27702470-C-T.
Other names: short protein forms G304D.
Identifiers: ClinVar variation 432988 (VCV000432988.10), dbSNP rs1553335843, ClinGen allele CA346396651.